The following is an entry in ClinVar:

NM_014140.4(SMARCAL1):c.1790T>A (p.Val597Asp)

Gene: SMARCAL1 (SNF2 related chromatin remodeling annealing helicase 1; plus strand). Cytogenetic location: 2q35.
Variant type: single nucleotide variant.
Coding change: c.1790T>A on transcript NM_014140.4 (MANE Select); coding-DNA position 1790, T replaced by A.
Protein change: p.Val597Asp; replaces valine 597 with aspartic acid.
Molecular consequence: missense variant.
Genome position (GRCh38, 1-based): chr2:216,447,097, T>A. VCF-style: chr2-216447097-T-A. GRCh37 (hg19) VCF-style: chr2-217311820-T-A.
Other names: c.1790T>A, p.Val597Asp (NM_001127207.2); short protein forms V597D.
Identifiers: ClinVar variation 5006209 (VCV005006209.2).

ClinVar aggregate classification (germline): Uncertain significance (1 of 4 stars; one submission).

Conditions:
Schimke immuno-osseous dysplasia (SIOD). Also called: Schimke Immunoosseous Dysplasia. Identifiers: Orphanet 1830, MedGen C0877024, MONDO:0009458, OMIM 242900.

Submission:

Juno Genomics, Hangzhou Juno Genomics, Inc
Classification: Uncertain significance for Schimke immuno-osseous dysplasia. Review status: criteria provided, single submitter. Criteria: ACMG Guidelines, 2015. Collection method: clinical testing. Allele origin: germline.
Comment: Absent from controls (or at extremely low frequency if recessive) in Genome Aggregation Database.;Multiple lines of computational evidence support a deleterious effect on the gene or gene product.